The following is an entry in ClinVar:

NM_001042492.3(NF1):c.3230_3255del (p.Val1077fs)

Gene: NF1 (neurofibromin 1; plus strand). Cytogenetic location: 17q11.2.
Variant type: Deletion.
Coding change: c.3230_3255del on transcript NM_001042492.3 (MANE Select); coding-DNA positions 3230 to 3255, 26 bases deleted (TTTCACTTCTAGCTGGTCTCCCTCTG).
Protein change: p.Val1077fs; shifts the reading frame from valine 1077.
Molecular consequence: frameshift variant.
Genome position (GRCh38, 1-based): chr17:31,232,105-31,232,130, TTTCACTTCTAGCTGGTCTCCCTCTG deleted; deleting any 26 consecutive bases within chr17:31,232,104-31,232,130 gives the same sequence; the c. name uses the placement nearest the transcript's 3' end. VCF-style (leftmost placement, unchanged base first): chr17-31232103-AGTTTCACTTCTAGCTGGTCTCCCTCT-A. GRCh37 (hg19) VCF-style: chr17-29559121-AGTTTCACTTCTAGCTGGTCTCCCTCT-A.
Other names: c.3230_3255del26 (NM_000267.3); c.3230_3255del26, p.Val1077Alafs (NM_000267.4); short protein forms V1077fs.
Identifiers: ClinVar variation 2105112 (VCV002105112.5), dbSNP rs2508223768, ClinGen allele CA2580092953.

ClinVar aggregate classification (germline): Pathogenic. Review status: criteria provided, multiple submitters, no conflicts (2 of 4 stars). 2 submissions from 2 submitters: Pathogenic (2). Last evaluated 2025-11-26.

Conditions:
Neurofibromatosis, type 1 (NF1). Also called: Peripheral type neurofibromatosis; NEUROFIBROMATOSIS, TYPE I, SOMATIC; VON RECKLINGHAUSEN DISEASE; Neurofibromatosis, type I. Identifiers: Orphanet 636, MedGen C0027831, MONDO:0018975, OMIM 162200. Disease mechanism: loss of function.
Hereditary cancer-predisposing syndrome. Also called: Hereditary Cancer Syndrome; Tumor predisposition; Neoplastic Syndromes, Hereditary; Hereditary neoplastic syndrome. Identifiers: Orphanet 140162, MedGen C0027672, MeSH D009386, MONDO:0015356.
Cardiovascular phenotype. Identifiers: MedGen CN230736.

Submissions (2):

Ambry Genetics
Classification: Pathogenic for Cardiovascular phenotype; Hereditary cancer-predisposing syndrome. Last evaluated: 2025-11-26. Review status: criteria provided, single submitter. Criteria: Ambry Variant Classification Scheme 2023. Collection method: clinical testing. Allele origin: germline.
Comment: The c.3230_3255del26 pathogenic mutation, located in coding exon 25 of the NF1 gene, results from a deletion of 26 nucleotides at nucleotide positions 3230 to 3255, causing a translational frameshift with a predicted alternate stop codon (p.V1077Afs*3). This variant is considered to be rare based on population cohorts in the Genome Aggregation Database (gnomAD). This alteration is expected to result in loss of function by premature protein truncation or nonsense-mediated mRNA decay. As such, this alteration is interpreted as a disease-causing mutation.

Labcorp Genetics (formerly Invitae), Labcorp
Classification: Pathogenic for Neurofibromatosis, type 1. Last evaluated: 2022-03-01. Review status: criteria provided, single submitter. Criteria: Invitae Variant Classification Sherloc (09022015). Collection method: clinical testing. Allele origin: germline.
Comment: For these reasons, this variant has been classified as Pathogenic. This variant has not been reported in the literature in individuals affected with NF1-related conditions. This variant is not present in population databases (gnomAD no frequency). This sequence change creates a premature translational stop signal (p.Val1077Alafs*3) in the NF1 gene. It is expected to result in an absent or disrupted protein product. Loss-of-function variants in NF1 are known to be pathogenic (PMID: 10712197, 23913538).

Literature cited by the submitters: PubMed 10712197 (cited by Labcorp Genetics (formerly Invitae), Labcorp); PubMed 23913538 (cited by Labcorp Genetics (formerly Invitae), Labcorp).